The following is an entry in ClinVar:

ClinVar aggregate classification (germline): Pathogenic (1 of 4 stars; one submission).

Submission:

Labcorp Genetics (formerly Invitae), Labcorp
Classification: Pathogenic. Last evaluated: 2023-12-11. Review status: criteria provided, single submitter. Criteria: Invitae Variant Classification Sherloc (09022015). Collection method: clinical testing. Allele origin: germline.
Comment: This variant, c.649_650insCTA, is a complex sequence change that results in the deletion of 1 and insertion of 2 amino acid(s) in the ALPL protein (p.Val217delinsAlaMet). Information on the frequency of this variant in the gnomAD database is not available, as this variant may be reported differently in the database. This variant has been observed in individual(s) with autosomal recessive hypophosphatasia (PMID: 21638016, 34712267, 36427976). In at least one individual the data is consistent with being in trans (on the opposite chromosome) from a pathogenic variant. It has also been observed to segregate with disease in related individuals. For these reasons, this variant has been classified as Pathogenic.

Literature cited by the submitters: PubMed 21638016; PubMed 34712267; PubMed 36427976.

NM_000478.6(ALPL):c.649_650insCTA (p.Val217delinsAlaMet)

Gene: ALPL (alkaline phosphatase, biomineralization associated; plus strand). Cytogenetic location: 1p36.12.
Variant type: Insertion.
Coding change: c.649_650insCTA on transcript NM_000478.6 (MANE Select); coding-DNA positions 649 to 650, CTA inserted.
Protein change: p.Val217delinsAlaMet.
Molecular consequence: inframe indel.
Genome position: GRCh38 VCF-style: chr1-21568104-G-GCTA. GRCh37 (hg19) VCF-style: chr1-21894597-G-GCTA.
Other names: c.484_485insCTA, p.Val162delinsAlaMet (NM_001127501.4); c.418_419insCTA, p.Val140delinsAlaMet (NM_001177520.3); c.649_650insCTA, p.Val217delinsAlaMet (NM_001369803.2, NM_001369804.2, NM_001369805.2).
Identifiers: ClinVar variation 2915359 (VCV002915359.3), dbSNP rs781213038, ClinGen allele CA1158016128.